The following is an entry in ClinVar:

NM_005184.4(CALM3):c.394G>A (p.Asp132Asn)

Gene: CALM3 (calmodulin 3; plus strand). Cytogenetic location: 19q13.32.
Variant type: single nucleotide variant.
Coding change: c.394G>A on transcript NM_005184.4 (MANE Select); coding-DNA position 394, G replaced by A.
Protein change: p.Asp132Asn; replaces aspartic acid 132 with asparagine.
Molecular consequence: missense variant.
Genome position (GRCh38, 1-based): chr19:46,608,954, G>A. VCF-style: chr19-46608954-G-A. GRCh37 (hg19) VCF-style: chr19-47112211-G-A.
Other names: c.286G>A, p.Asp96Asn (NM_001329921.1, NM_001329923.1, NM_001329924.2 and 2 more transcripts); c.394G>A, p.Asp132Asn (NM_001329922.1); short protein forms D96N, D132N.
Identifiers: ClinVar variation 1482801 (VCV001482801.10), dbSNP rs2122250160, ClinGen allele CA406473587.

ClinVar aggregate classification (germline): Uncertain significance. Review status: criteria provided, multiple submitters, no conflicts (2 of 4 stars). 2 submissions from 2 submitters: Uncertain significance (2). Last evaluated 2021-06-01.

Conditions:
Cardiovascular phenotype. Identifiers: MedGen CN230736.
Long QT syndrome 1 (LQT1). Identifiers: Orphanet 101016, Orphanet 768, MedGen C4551647, MONDO:0100316, OMIM 192500, MONDO:0008646.

Submissions (2):

Ambry Genetics
Classification: Uncertain significance for Cardiovascular phenotype. Last evaluated: 2021-06-01. Review status: criteria provided, single submitter. Criteria: Ambry Variant Classification Scheme 2023. Collection method: clinical testing. Allele origin: germline.
Comment: The p.D132N variant (also known as c.394G>A), located in coding exon 5 of the CALM3 gene, results from a G to A substitution at nucleotide position 394. The aspartic acid at codon 132 is replaced by asparagine, an amino acid with highly similar properties. This amino acid position is highly conserved in available vertebrate species. In addition, this alteration is predicted to be tolerated by in silico analysis. Since supporting evidence is limited at this time, the clinical significance of this alteration remains unclear.

Labcorp Genetics (formerly Invitae), Labcorp
Classification: Uncertain significance for Long QT syndrome 1. Last evaluated: 2021-01-07. Review status: criteria provided, single submitter. Criteria: Invitae Variant Classification Sherloc (09022015). Collection method: clinical testing. Allele origin: germline.
Comment: This sequence change replaces aspartic acid with asparagine at codon 132 of the CALM3 protein (p.Asp132Asn). The aspartic acid residue is highly conserved and there is a small physicochemical difference between aspartic acid and asparagine. This variant is not present in population databases (ExAC no frequency). This variant has not been reported in the literature in individuals with CALM3-related conditions. Algorithms developed to predict the effect of missense changes on protein structure and function are either unavailable or do not agree on the potential impact of this missense change (SIFT: "Deleterious"; PolyPhen-2: "Benign"; Align-GVGD: "Class C15"). In summary, the available evidence is currently insufficient to determine the role of this variant in disease. Therefore, it has been classified as a Variant of Uncertain Significance.